The following is an entry in ClinVar:

ClinVar aggregate classification (germline): Uncertain significance (1 of 4 stars; one submission).

gnomAD v4.1: 6 of 1,563,340 alleles (0.00038%); highest among the groups gnomAD compares: Middle Eastern, 0.017%; no homozygotes.

Submission:

Labcorp Genetics (formerly Invitae), Labcorp
Classification: Uncertain significance. Last evaluated: 2024-09-02. Review status: criteria provided, single submitter. Criteria: Invitae Variant Classification Sherloc (09022015). Collection method: clinical testing. Allele origin: germline.
Comment: This sequence change replaces glycine, which is neutral and non-polar, with arginine, which is basic and polar, at codon 545 of the RELB protein (p.Gly545Arg). This variant is not present in population databases (gnomAD no frequency). This variant has not been reported in the literature in individuals affected with RELB-related conditions. An algorithm developed to predict the effect of missense changes on protein structure and function (PolyPhen-2) suggests that this variant is likely to be disruptive. In summary, the available evidence is currently insufficient to determine the role of this variant in disease. Therefore, it has been classified as a Variant of Uncertain Significance.

NM_006509.4(RELB):c.1633G>C (p.Gly545Arg)

Gene: RELB (RELB proto-oncogene, NF-kB subunit; plus strand). Cytogenetic location: 19q13.32.
Variant type: single nucleotide variant.
Coding change: c.1633G>C on transcript NM_006509.4 (MANE Select); coding-DNA position 1633, G replaced by C.
Protein change: p.Gly545Arg; replaces glycine 545 with arginine.
Molecular consequence: missense variant.
Genome position (GRCh38, 1-based): chr19:45,037,683, G>C. VCF-style: chr19-45037683-G-C. GRCh37 (hg19) VCF-style: chr19-45540941-G-C.
Other names: c.1624G>C, p.Gly542Arg (NM_001411087.1); short protein forms G545R, G542R.
Identifiers: ClinVar variation 3707421 (VCV003707421.2).